The following is an entry in ClinVar:

ClinVar aggregate classification (germline): Uncertain significance (1 of 4 stars; one submission).

gnomAD v4.1: 1 of 1,545,500 alleles (0.000065%); highest among the groups gnomAD compares: Admixed American, 0.002%; no homozygotes.

Submission:

Labcorp Genetics (formerly Invitae), Labcorp
Classification: Uncertain significance. Last evaluated: 2022-06-22. Review status: criteria provided, single submitter. Criteria: Invitae Variant Classification Sherloc (09022015). Collection method: clinical testing. Allele origin: germline.
Comment: This sequence change replaces arginine, which is basic and polar, with proline, which is neutral and non-polar, at codon 1498 of the TET2 protein (p.Arg1498Pro). This variant is present in population databases (no rsID available, gnomAD 0.004%). This variant has not been reported in the literature in individuals affected with TET2-related conditions. Algorithms developed to predict the effect of missense changes on protein structure and function are either unavailable or do not agree on the potential impact of this missense change (SIFT: "Deleterious"; PolyPhen-2: "Probably Damaging"; Align-GVGD: "Class C0"). In summary, the available evidence is currently insufficient to determine the role of this variant in disease. Therefore, it has been classified as a Variant of Uncertain Significance.

NM_001127208.3(TET2):c.4493G>C (p.Arg1498Pro)

Genes: TET2 (tet methylcytosine dioxygenase 2; plus strand), TET2-AS1 (TET2 antisense RNA 1; minus strand). Cytogenetic location: 4q24.
Variant type: single nucleotide variant.
Coding change: c.4493G>C on transcript NM_001127208.3 (MANE Select); coding-DNA position 4493, G replaced by C.
Protein change: p.Arg1498Pro; replaces arginine 1498 with proline.
Molecular consequence: missense variant.
Genome position (GRCh38, 1-based): chr4:105,272,874, G>C. VCF-style: chr4-105272874-G-C. GRCh37 (hg19) VCF-style: chr4-106194031-G-C.
Other names: short protein forms R1498P.
Identifiers: ClinVar variation 1954934 (VCV001954934.5), dbSNP rs777027345, ClinGen allele CA357811975.
Genomic context (GRCh38, chr4:105,272,874, plus strand): 5'-AGCTTTCCTCCCTGGAGAACAGCTCAAATAAAAATGAAAAGGAAAAGTCAGCCCCATCAC[G>C]TACAAAACAAACTGAAAACGCAAGCCAGGCTAAACAGTTGGCAGGTAAATTTAATGTAAA-3'
Protein context (NP_001120680.1, residues 1488-1508): KNEKEKSAPS[Arg1498Pro]TKQTENASQA